The following is an entry in ClinVar:

ClinVar aggregate classification (germline): Uncertain significance. Review status: criteria provided, multiple submitters, no conflicts (2 of 4 stars). 3 submissions from 3 submitters: Uncertain significance (3). Last evaluated 2022-03-12.

Conditions:
Upshaw-Schulman syndrome (TTP). Also called: THROMBOTIC THROMBOCYTOPENIC PURPURA, HEREDITARY; Congenital thrombotic thrombocytopenic purpura. Identifiers: Orphanet 93583, MedGen C1268935, MONDO:0010122, OMIM 274150.

Allele frequency attached by ClinVar (database versions not stated): TOPMed 0.00002.

Submissions (3):

Labcorp Genetics (formerly Invitae), Labcorp
Classification: Uncertain significance. Last evaluated: 2022-03-12. Review status: criteria provided, single submitter. Criteria: Invitae Variant Classification Sherloc (09022015). Collection method: clinical testing. Allele origin: germline.
Comment: This sequence change replaces alanine, which is neutral and non-polar, with valine, which is neutral and non-polar, at codon 1056 of the ADAMTS13 protein (p.Ala1056Val). The frequency data for this variant in the population databases is considered unreliable, as metrics indicate poor data quality at this position in the gnomAD database. This variant has not been reported in the literature in individuals affected with ADAMTS13-related conditions. ClinVar contains an entry for this variant (Variation ID: 913128). Algorithms developed to predict the effect of missense changes on protein structure and function output the following: SIFT: "Tolerated"; PolyPhen-2: "Benign"; Align-GVGD: "Class C0". The valine amino acid residue is found in multiple mammalian species, which suggests that this missense change does not adversely affect protein function. In summary, the available evidence is currently insufficient to determine the role of this variant in disease. Therefore, it has been classified as a Variant of Uncertain Significance.

Fulgent Genetics
Classification: Uncertain significance for Upshaw-Schulman syndrome. Last evaluated: 2021-10-28. Review status: criteria provided, single submitter. Criteria: ACMG Guidelines, 2015. Collection method: clinical testing. Allele origin: unknown.

Illumina Laboratory Services, Illumina
Classification: Uncertain significance for Upshaw-Schulman syndrome. Last evaluated: 2018-01-12. Review status: criteria provided, single submitter. Criteria: ICSL Variant Classification Criteria 13 December 2019. Collection method: clinical testing. Allele origin: germline.

NM_139027.6(ADAMTS13):c.3167C>T (p.Ala1056Val)

Gene: ADAMTS13 (ADAM metallopeptidase with thrombospondin type 1 motif 13; plus strand). Cytogenetic location: 9q34.2.
Variant type: single nucleotide variant.
Coding change: c.3167C>T on transcript NM_139027.6 (MANE Select); coding-DNA position 3167, C replaced by T.
Protein change: p.Ala1056Val; replaces alanine 1056 with valine.
Molecular consequence: missense variant. On other transcripts: non-coding transcript variant (1).
Genome position (GRCh38, 1-based): chr9:133,454,537, C>T. VCF-style: chr9-133454537-C-T. GRCh37 (hg19) VCF-style: chr9-136319659-C-T.
Other names: c.3167C>T, p.Ala1056Val (NM_139025.5); c.3074C>T, p.Ala1025Val (NM_139026.6); short protein forms A1025V, A1056V.
Identifiers: ClinVar variation 913128 (VCV000913128.6), dbSNP rs376017677, ClinGen allele CA200943168.